The following is an entry in ClinVar:

NM_006231.4(POLE):c.667G>A (p.Glu223Lys)

Gene: POLE (DNA polymerase epsilon, catalytic subunit; minus strand). Cytogenetic location: 12q24.33.
Variant type: single nucleotide variant.
Coding change: c.667G>A on transcript NM_006231.4 (MANE Select); coding-DNA position 667, G replaced by A.
Protein change: p.Glu223Lys; replaces glutamic acid 223 with lysine.
Molecular consequence: missense variant.
Genome position (GRCh38, 1-based): chr12:132,677,631, C>T on the plus strand (G>A on the coding strand, the complement: POLE is on the minus strand). VCF-style: chr12-132677631-C-T. GRCh37 (hg19) VCF-style: chr12-133254217-C-T.
Other names: c.667G>A (NM_006231.2); short protein forms E223K.
Identifiers: ClinVar variation 540687 (VCV000540687.9), dbSNP rs761757009, ClinGen allele CA6894244.

ClinVar aggregate classification (germline): Uncertain significance. Review status: criteria provided, multiple submitters, no conflicts (2 of 4 stars). 2 submissions from 2 submitters: Uncertain significance (2). Last evaluated 2025-07-30.

Conditions:
Hereditary cancer-predisposing syndrome. Also called: Neoplastic Syndromes, Hereditary; Hereditary Cancer Syndrome; Hereditary neoplastic syndrome; Tumor predisposition. Identifiers: Orphanet 140162, MedGen C0027672, MeSH D009386, MONDO:0015356.

Allele frequency attached by ClinVar (database versions not stated): gnomAD exomes below 0.00001; TOPMed below 0.00001; ExAC 0.00001; gnomAD 0.00001.
gnomAD v4.1: 3 of 1,614,040 alleles (0.00019%); highest among the groups gnomAD compares: Non-Finnish European, 0.00017%; no homozygotes.

Submissions (2):

Ambry Genetics
Classification: Uncertain significance for Hereditary cancer-predisposing syndrome. Last evaluated: 2025-07-30. Review status: criteria provided, single submitter. Criteria: Ambry Variant Classification Scheme 2023. Collection method: clinical testing. Allele origin: germline.
Comment: The p.E223K variant (also known as c.667G>A), located in coding exon 7 of the POLE gene, results from a G to A substitution at nucleotide position 667. The glutamic acid at codon 223 is replaced by lysine, an amino acid with similar properties. This amino acid position is highly conserved in available vertebrate species. In addition, this alteration is predicted to be deleterious by in silico analysis. Based on the available evidence, the clinical significance of this variant remains unclear.

Labcorp Genetics (formerly Invitae), Labcorp
Classification: Uncertain significance. Last evaluated: 2024-03-27. Review status: criteria provided, single submitter. Criteria: Invitae Variant Classification Sherloc (09022015). Collection method: clinical testing. Allele origin: germline.
Comment: This sequence change replaces glutamic acid, which is acidic and polar, with lysine, which is basic and polar, at codon 223 of the POLE protein (p.Glu223Lys). This variant is present in population databases (rs761757009, gnomAD 0.0009%). This variant has not been reported in the literature in individuals affected with POLE-related conditions. ClinVar contains an entry for this variant (Variation ID: 540687). Advanced modeling of protein sequence and biophysical properties (such as structural, functional, and spatial information, amino acid conservation, physicochemical variation, residue mobility, and thermodynamic stability) performed at Invitae indicates that this missense variant is expected to disrupt POLE protein function with a positive predictive value of 80%. In summary, the available evidence is currently insufficient to determine the role of this variant in disease. Therefore, it has been classified as a Variant of Uncertain Significance.